The following is an entry in ClinVar:

NM_000051.4(ATM):c.668A>C (p.Glu223Ala)

Gene: ATM (ATM serine/threonine kinase; plus strand). Cytogenetic location: 11q22.3.
Variant type: single nucleotide variant.
Coding change: c.668A>C on transcript NM_000051.4 (MANE Select); coding-DNA position 668, A replaced by C.
Protein change: p.Glu223Ala; replaces glutamic acid 223 with alanine.
Molecular consequence: missense variant.
Genome position (GRCh38, 1-based): chr11:108,244,793, A>C. VCF-style: chr11-108244793-A-C. GRCh37 (hg19) VCF-style: chr11-108115520-A-C.
Other names: c.668A>C, p.Glu223Ala (NM_001351834.2); short protein forms E223A.
Identifiers: ClinVar variation 1754887 (VCV001754887.2), dbSNP rs776227830, ClinGen allele CA382528936.

ClinVar aggregate classification (germline): Uncertain significance (1 of 4 stars; one submission).

Conditions:
Hereditary cancer-predisposing syndrome. Also called: Neoplastic Syndromes, Hereditary; Tumor predisposition; Hereditary Cancer Syndrome; Hereditary neoplastic syndrome. Identifiers: Orphanet 140162, MedGen C0027672, MeSH D009386, MONDO:0015356.

Submission:

Ambry Genetics
Classification: Uncertain significance for Hereditary cancer-predisposing syndrome. Last evaluated: 2015-12-28. Review status: criteria provided, single submitter. Criteria: Ambry Variant Classification Scheme 2023. Collection method: clinical testing. Allele origin: germline.
Comment: The p.E223A variant (also known as c.668A>C), located in coding exon 6 of the ATM gene, results from an A to C substitution at nucleotide position 668. The glutamic acid at codon 223 is replaced by alanine, an amino acid with dissimilar properties. This variant was not reported in population based cohorts in the following databases: Database of Single Nucleotide Polymorphisms (dbSNP), NHLBI Exome Sequencing Project (ESP), and 1000 Genomes Project. In the ESP, this variant was not observed in 6498 samples (12996 alleles) with coverage at this position. To date, this alteration has been detected with an allele frequency of approximately 0.001% (greater than 125000 alleles tested) in our clinical cohort. This amino acid position is highly conserved in available vertebrate species. In addition, this alteration is predicted to be tolerated by in silico analysis. Since supporting evidence is limited at this time, the clinical significance of p.E223A remains unclear.